The following is an entry in ClinVar:

ClinVar aggregate classification (germline): Uncertain significance. Review status: criteria provided, multiple submitters, no conflicts (2 of 4 stars). 2 submissions from 2 submitters: Uncertain significance (2). Last evaluated 2026-01-01.

Allele frequency attached by ClinVar (database versions not stated): TOPMed 0.00005; ESP Exome Variant Server 0.00008; ExAC 0.00011; gnomAD exomes 0.00012.
gnomAD v4.1: 46 of 1,613,946 alleles (0.0029%); highest among the groups gnomAD compares: East Asian, 0.053%; no homozygotes.

Submissions (2):

Labcorp Genetics (formerly Invitae), Labcorp
Classification: Uncertain significance. Last evaluated: 2026-01-01. Review status: criteria provided, single submitter. Criteria: Invitae Variant Classification Sherloc (09022015). Collection method: clinical testing. Allele origin: germline.
Comment: This sequence change replaces threonine, which is neutral and polar, with methionine, which is neutral and non-polar, at codon 531 of the CDH3 protein (p.Thr531Met). This variant is present in population databases (rs376645345, gnomAD 0.2%). This variant has not been reported in the literature in individuals affected with CDH3-related conditions. ClinVar contains an entry for this variant (Variation ID: 1025568). Invitae Evidence Modeling of protein sequence and biophysical properties (such as structural, functional, and spatial information, amino acid conservation, physicochemical variation, residue mobility, and thermodynamic stability) has been performed for this missense variant. However, the output from this modeling did not meet the statistical confidence thresholds required to predict the impact of this variant on CDH3 protein function. In summary, the available evidence is currently insufficient to determine the role of this variant in disease. Therefore, it has been classified as a Variant of Uncertain Significance.

Blueprint Genetics
Classification: Uncertain significance. Last evaluated: 2023-10-10. Review status: criteria provided, single submitter. Criteria: ACMG Guidelines, 2015. Collection method: clinical testing. Allele origin: germline.

NM_001793.6(CDH3):c.1592C>T (p.Thr531Met)

Gene: CDH3 (cadherin 3; plus strand). Cytogenetic location: 16q22.1.
Variant type: single nucleotide variant.
Coding change: c.1592C>T on transcript NM_001793.6 (MANE Select); coding-DNA position 1592, C replaced by T.
Protein change: p.Thr531Met; replaces threonine 531 with methionine.
Molecular consequence: missense variant.
Genome position (GRCh38, 1-based): chr16:68,687,533, C>T. VCF-style: chr16-68687533-C-T. GRCh37 (hg19) VCF-style: chr16-68721436-C-T.
Other names: c.1592C>T, p.Thr531Met (NM_001317195.3); c.1427C>T, p.Thr476Met (NM_001317196.2); short protein forms T476M, T531M.
Identifiers: ClinVar variation 1025568 (VCV001025568.8), dbSNP rs376645345, ClinGen allele CA8129421.